The following is an entry in ClinVar:

ClinVar aggregate classification (germline): Uncertain significance (1 of 4 stars; one submission).

Submission:

Labcorp Genetics (formerly Invitae), Labcorp
Classification: Uncertain significance. Last evaluated: 2022-01-16. Review status: criteria provided, single submitter. Criteria: Invitae Variant Classification Sherloc (09022015). Collection method: clinical testing. Allele origin: germline.
Comment: In summary, the available evidence is currently insufficient to determine the role of this variant in disease. Therefore, it has been classified as a Variant of Uncertain Significance. Algorithms developed to predict the effect of missense changes on protein structure and function are either unavailable or do not agree on the potential impact of this missense change (SIFT: "Tolerated"; PolyPhen-2: "Possibly Damaging"; Align-GVGD: "Class C0"). This variant has not been reported in the literature in individuals affected with ABHD12-related conditions. This variant is not present in population databases (gnomAD no frequency). This sequence change replaces leucine, which is neutral and non-polar, with arginine, which is basic and polar, at codon 92 of the ABHD12 protein (p.Leu92Arg).

NM_001042472.3(ABHD12):c.275T>G (p.Leu92Arg)

Gene: ABHD12 (abhydrolase domain containing 12, lysophospholipase; minus strand). Cytogenetic location: 20p11.21.
Variant type: single nucleotide variant.
Coding change: c.275T>G on transcript NM_001042472.3 (MANE Select); coding-DNA position 275, T replaced by G.
Protein change: p.Leu92Arg; replaces leucine 92 with arginine.
Molecular consequence: missense variant.
Genome position (GRCh38, 1-based): chr20:25,339,268, A>C on the plus strand (T>G on the coding strand, the complement: ABHD12 is on the minus strand). VCF-style: chr20-25339268-A-C. GRCh37 (hg19) VCF-style: chr20-25319904-A-C.
Other names: c.275T>G, p.Leu92Arg (NM_015600.5); short protein forms L92R.
Identifiers: ClinVar variation 2085883 (VCV002085883.4), dbSNP rs2089421915, ClinGen allele CA408445696.